The following is an entry in ClinVar:

NM_000642.3(AGL):c.2812+11G>A

Gene: AGL (amylo-alpha-1,6-glucosidase and 4-alpha-glucanotransferase; plus strand). Cytogenetic location: 1p21.2.
Variant type: single nucleotide variant.
Coding change: c.2812+11G>A on transcript NM_000642.3 (MANE Select); 11 bases into the intron after coding-DNA position 2812, G replaced by A.
Molecular consequence: intron variant.
Genome position (GRCh38, 1-based): chr1:99,888,119, G>A. VCF-style: chr1-99888119-G-A. GRCh37 (hg19) VCF-style: chr1-100353675-G-A.
Other names: c.2812+11G>A (NM_000643.3, NM_000644.3, NM_001425326.1 and 2 more transcripts); c.2764+11G>A (NM_000646.3); c.2611+11G>A (NM_001425327.1); c.2608+11G>A (NM_001425328.1); c.2473+11G>A (NM_001425329.1); c.2434+11G>A (NM_001425332.1).
Identifiers: ClinVar variation 256730 (VCV000256730.24), dbSNP rs555929, ClinGen allele CA966893.

ClinVar aggregate classification (germline): Benign. Review status: criteria provided, multiple submitters, no conflicts (2 of 4 stars). 9 submissions from 9 submitters: Benign (8). 1 of the submissions does not count toward it. Last evaluated 2026-02-04.

Conditions:
Glycogen storage disease type III (GSD3). Also called: FORBES DISEASE; Cori disease. Identifiers: Orphanet 366, MedGen C0017922, MONDO:0009291, OMIM 232400.

Allele frequency attached by ClinVar (database versions not stated): ESP Exome Variant Server 0.65485; TOPMed 0.65548; gnomAD 0.65828 and 0.66189; 1000 Genomes Project 30x 0.67067; 1000 Genomes Project 0.68111; ExAC 0.68976; gnomAD exomes 0.69043 and 0.69456.
gnomAD v4.1: 1,113,291 of 1,611,480 alleles (69%); highest among the groups gnomAD compares: South Asian, 73%; 385,870 homozygotes.

Submissions (9):

Labcorp Genetics (formerly Invitae), Labcorp
Classification: Benign for Glycogen storage disease type III. Last evaluated: 2026-02-04. Review status: criteria provided, single submitter. Criteria: Invitae Variant Classification Sherloc (09022015). Collection method: clinical testing. Allele origin: germline.

Blueprint Genetics
Classification: Benign. Last evaluated: 2024-11-26. Review status: criteria provided, single submitter. Criteria: ACMG Guidelines, 2015. Collection method: clinical testing. Allele origin: germline.

Genome-Nilou Lab
Classification: Benign for Glycogen storage disease type III. Last evaluated: 2021-07-14. Review status: criteria provided, single submitter. Criteria: ACMG Guidelines, 2015. Collection method: clinical testing. Allele origin: germline. Affected: no.

Illumina Laboratory Services, Illumina
Classification: Benign for Glycogen storage disease type III. Last evaluated: 2018-01-12. Review status: criteria provided, single submitter. Criteria: ICSL Variant Classification Criteria 13 December 2019. Collection method: clinical testing. Allele origin: germline.
Comment: This variant was observed in the ICSL laboratory as part of a predisposition screen in an ostensibly healthy population. It had not been previously curated by ICSL or reported in the Human Gene Mutation Database (HGMD: prior to June 1st, 2018), and was therefore a candidate for classification through an automated scoring system. Utilizing variant allele frequency, disease prevalence and penetrance estimates, and inheritance mode, an automated score was calculated to assess if this variant is too frequent to cause the disease. Based on the score and internal cut-off values, a variant classified as benign is not then subjected to further curation. The score for this variant resulted in a classification of benign for this disease.

Phosphorus, Inc.
Classification: Benign for Glycogen storage disease type III. Last evaluated: 2017-08-01. Review status: criteria provided, single submitter. Criteria: ACMG Guidelines, 2015. Collection method: clinical testing. Allele origin: germline. Observed: 21 variant alleles.

GeneDx
Classification: Benign. Last evaluated: 2015-12-02. Review status: criteria provided, single submitter. Criteria: GeneDx Variant Classification (06012015). Collection method: clinical testing. Allele origin: germline. Affected: yes.
Comment: This variant is considered likely benign or benign based on one or more of the following criteria: it is a conservative change, it occurs at a poorly conserved position in the protein, it is predicted to be benign by multiple in silico algorithms, and/or has population frequency not consistent with disease.

Breakthrough Genomics
Classification: Benign. Review status: criteria provided, single submitter. Criteria: ACMG Guidelines, 2015. Collection method: not provided. Allele origin: germline. Inheritance: Autosomal recessive inheritance. Affected: yes.

PreventionGenetics, part of Exact Sciences
Classification: Benign. Review status: criteria provided, single submitter. Criteria: ACMG Guidelines, 2015. Collection method: clinical testing. Allele origin: germline.

Mayo Clinic Laboratories, Mayo Clinic
Classification: Benign. Last evaluated: 2015-10-22. Review status: no assertion criteria provided. Collection method: clinical testing. Allele origin: unknown. Not counted in ClinVar's aggregate classification.